The following is an entry in ClinVar:

ClinVar aggregate classification (germline): Pathogenic/Likely pathogenic. Review status: criteria provided, multiple submitters, no conflicts (2 of 4 stars). 5 submissions from 4 submitters: Pathogenic (1); Likely pathogenic (2). 2 of the submissions do not count toward it. Last evaluated 2024-05-09.

Conditions:
Zellweger spectrum disorders (ZS). Also called: Zellweger Spectrum Disorder (ZSD); Zellweger Spectrum Disorder; Zellweger Spectrum; Zellweger syndrome. Identifiers: Orphanet 912, MedGen C0043459, MONDO:0019609.
Peroxisome biogenesis disorder, complementation group 7 (CG7). Also called: Peroxisome biogenesis disorder, complementation group B. Identifiers: MedGen C1864399.
Peroxisome biogenesis disorder. Identifiers: Orphanet 79189, MedGen C1832200, MONDO:0019234. Disease mechanism: loss of function.
Peroxisome biogenesis disorder 6A (Zellweger). Also called: Peroxisome biogenesis disorder 6A. Identifiers: Orphanet 912, MedGen C3553947, MONDO:0013936, OMIM 614870.
Peroxisome biogenesis disorder 6B (PBD6B). Identifiers: Orphanet 44, MedGen C3553948, MONDO:0013937, OMIM 614871.

Allele frequency attached by ClinVar (database versions not stated): gnomAD exomes below 0.00001; TOPMed 0.00001; ESP Exome Variant Server 0.00008.
gnomAD v4.1: 2 of 1,613,426 alleles (0.00012%); highest among the groups gnomAD compares: Non-Finnish European, 0.00017%; no homozygotes.

Submissions (5):

Natera, Inc.
Classification: Likely pathogenic for Zellweger syndrome. Last evaluated: 2024-05-09. Review status: criteria provided, single submitter. Criteria: Natera Variant Classification Schema (03/2026). Collection method: clinical testing. Allele origin: germline.
Comment: The c.352C>T variant in PEX10 is a nonsense variant predicted to introduce a stop codon at amino acid 118. This variant is expected to result in nonsense mediated decay, truncation, or a dysfunctional protein product. This variant is rare in the general population with a frequency below the threshold expected for the associated phenotype(s). Given the available evidence, this variant is classified as Likely Pathogenic.

Labcorp Genetics (formerly Invitae), Labcorp
Classification: Pathogenic for Peroxisome biogenesis disorder, complementation group 7. Last evaluated: 2024-01-04. Review status: criteria provided, single submitter. Criteria: Invitae Variant Classification Sherloc (09022015). Collection method: clinical testing. Allele origin: germline.
Comment: This sequence change creates a premature translational stop signal (p.Gln118*) in the PEX10 gene. It is expected to result in an absent or disrupted protein product. Loss-of-function variants in PEX10 are known to be pathogenic (PMID: 9683594, 10862081, 21031596). This variant is not present in population databases (gnomAD no frequency). This premature translational stop signal has been observed in individual(s) with Zellweger spectrum disorder (PMID: 21031596). ClinVar contains an entry for this variant (Variation ID: 371748). For these reasons, this variant has been classified as Pathogenic.

Women's Health and Genetics/Laboratory Corporation of America, LabCorp
Classification: Likely pathogenic for Peroxisome biogenesis disorder. Last evaluated: 2022-04-21. Review status: criteria provided, single submitter. Criteria: LabCorp Variant Classification Summary - May 2015. Collection method: clinical testing. Allele origin: germline.
Comment: Variant summary: PEX10 c.352C>T (p.Gln118X) results in a premature termination codon, predicted to cause a truncation of the encoded protein or absence of the protein due to nonsense mediated decay, which are commonly known mechanisms for disease. Truncations downstream of this position have been classified as pathogenic by our laboratory. The variant was absent in 247864 control chromosomes (gnomAD). c.352C>T has been reported in the literature in an individual (homozygous) affected with Zellweger Syndrome Spectrum disorder (Ebberink_2010). These data indicate that the variant may be associated with disease. To our knowledge, no experimental evidence demonstrating an impact on protein function has been reported. One ClinVar submitter (evaluation after 2014) cite the variant as likely pathogenic. Based on the evidence outlined above, the variant was classified as likely pathogenic.

Counsyl
Classification: Likely pathogenic for Peroxisome biogenesis disorder 6A (Zellweger). Last evaluated: 2016-10-21. Review status: no assertion criteria provided. Collection method: clinical testing. Allele origin: unknown. Not counted in ClinVar's aggregate classification.

Counsyl
Classification: Likely pathogenic for Peroxisome biogenesis disorder 6B. Last evaluated: 2016-10-21. Review status: no assertion criteria provided. Collection method: clinical testing. Allele origin: unknown. Not counted in ClinVar's aggregate classification.

Literature cited by the submitters: PubMed 9683594 (cited by Labcorp Genetics (formerly Invitae), Labcorp); PubMed 10862081 (cited by Labcorp Genetics (formerly Invitae), Labcorp and Counsyl); PubMed 21031596 (cited by 3 submitters); PubMed 25525159 (cited by Counsyl).

NM_002617.4(PEX10):c.352C>T (p.Gln118Ter)

Gene: PEX10 (peroxisomal biogenesis factor 10; minus strand). Cytogenetic location: 1p36.32.
Variant type: single nucleotide variant.
Coding change: c.352C>T on transcript NM_002617.4 (MANE Select); coding-DNA position 352, C replaced by T.
Protein change: p.Gln118Ter; replaces glutamine 118 with a stop codon.
Molecular consequence: nonsense. On other transcripts: 5 prime UTR variant (2), non-coding transcript variant (1).
Genome position (GRCh38, 1-based): chr1:2,408,700, G>A on the plus strand (C>T on the coding strand, the complement: PEX10 is on the minus strand). VCF-style: chr1-2408700-G-A. GRCh37 (hg19) VCF-style: chr1-2340139-G-A.
Other names: c.352C>T, p.Gln118Ter (NM_001374425.1, NM_153818.2); c.-81C>T (NM_001374426.1, NM_001374427.1); short protein forms Q118*.
Identifiers: ClinVar variation 371748 (VCV000371748.11), dbSNP rs369965266, ClinGen allele CA16040725.